The following is an entry in ClinVar:

ClinVar aggregate classification (germline): Uncertain significance. Review status: criteria provided, multiple submitters, no conflicts (2 of 4 stars). 4 submissions from 4 submitters: Uncertain significance (4). Last evaluated 2025-02-13.

Conditions:
Inborn genetic diseases. Identifiers: MedGen C0950123, MeSH D030342.
Mitochondrial DNA depletion syndrome, encephalomyopathic form with methylmalonic aciduria (MTDPS5). Also called: SUCLA2-Related Mitochondrial DNA Depletion Syndrome, Encephalomyopathic Form with Methylmalonic Aciduria; Mitochondrial encephalomyopathy aminoacidopathy; MITOCHONDRIAL DNA DEPLETION SYNDROME, ENCEPHALOMYOPATHIC FORM, WITH OR WITHOUT METHYLMALONIC ACIDURIA, AUTOSOMAL RECESSIVE, SUCLA2-RELATED; Mitochondrial DNA depletion syndrome 5 (encephalomyopathic with or without methylmalonic aciduria). Identifiers: Orphanet 1933, MedGen C5980207, MONDO:0012791, OMIM 612073.

Allele frequency attached by ClinVar (database versions not stated): TOPMed 0.00001; ExAC 0.00002; gnomAD 0.00003; gnomAD exomes 0.00004 and 0.00005.
gnomAD v4.1: 75 of 1,613,524 alleles (0.0046%); highest among the groups gnomAD compares: Non-Finnish European, 0.0058%; no homozygotes.

Submissions (4):

Ambry Genetics
Classification: Uncertain significance for Inborn genetic diseases. Last evaluated: 2025-02-13. Review status: criteria provided, single submitter. Criteria: Ambry Variant Classification Scheme 2023. Collection method: clinical testing. Allele origin: germline.

Blueprint Genetics
Classification: Uncertain significance. Last evaluated: 2024-07-01. Review status: criteria provided, single submitter. Criteria: ACMG Guidelines, 2015. Collection method: clinical testing. Allele origin: germline.

Mayo Clinic Laboratories, Mayo Clinic
Classification: Uncertain significance. Last evaluated: 2023-03-07. Review status: criteria provided, single submitter. Criteria: ACMG Guidelines, 2015. Collection method: clinical testing. Allele origin: germline. Observed: 1 variant allele.
Comment: PM2

Labcorp Genetics (formerly Invitae), Labcorp
Classification: Uncertain significance for Mitochondrial DNA depletion syndrome, encephalomyopathic form with methylmalonic aciduria. Last evaluated: 2022-11-15. Review status: criteria provided, single submitter. Criteria: Invitae Variant Classification Sherloc (09022015). Collection method: clinical testing. Allele origin: germline.
Comment: In summary, the available evidence is currently insufficient to determine the role of this variant in disease. Therefore, it has been classified as a Variant of Uncertain Significance. Advanced modeling of protein sequence and biophysical properties (such as structural, functional, and spatial information, amino acid conservation, physicochemical variation, residue mobility, and thermodynamic stability) has been performed at Invitae for this missense variant, however the output from this modeling did not meet the statistical confidence thresholds required to predict the impact of this variant on SUCLA2 protein function. ClinVar contains an entry for this variant (Variation ID: 1034831). This variant has not been reported in the literature in individuals affected with SUCLA2-related conditions. This variant is present in population databases (rs773355734, gnomAD 0.006%). This sequence change replaces isoleucine, which is neutral and non-polar, with threonine, which is neutral and polar, at codon 210 of the SUCLA2 protein (p.Ile210Thr).

NM_003850.3(SUCLA2):c.629T>C (p.Ile210Thr)

Gene: SUCLA2 (succinate-CoA ligase ADP-forming subunit beta; minus strand). Cytogenetic location: 13q14.2.
Variant type: single nucleotide variant.
Coding change: c.629T>C on transcript NM_003850.3 (MANE Select); coding-DNA position 629, T replaced by C.
Protein change: p.Ile210Thr; replaces isoleucine 210 with threonine.
Molecular consequence: missense variant.
Genome position (GRCh38, 1-based): chr13:47,973,298, A>G on the plus strand (T>C on the coding strand, the complement: SUCLA2 is on the minus strand). VCF-style: chr13-47973298-A-G. GRCh37 (hg19) VCF-style: chr13-48547433-A-G.
Other names: p.Ile210Thr; c.629T>C (NM_003850.2); short protein forms I210T.
Identifiers: ClinVar variation 1034831 (VCV001034831.7), dbSNP rs773355734, ClinGen allele CA6977959.
Genomic context (GRCh38, chr13:47,973,298, plus strand): 5'-AGAAATTTTTCAGGAATACAACATACCTGGAGAGCTTGTTCCTTTTTGATGCCTTCTTCA[A>G]TATCAATAGGTTCTTTAATTATTGCTTCAGGAGACTCAGCAGCAACATCTTCAATGTTGA-3'
Protein context (NP_003841.1, residues 200-220): PEAIIKEPID[Ile210Thr]EEGIKKEQAL